The following is an entry in ClinVar:

ClinVar aggregate classification (germline): Conflicting classifications of pathogenicity. Review status: criteria provided, conflicting classifications (1 of 4 stars). 5 submissions from 5 submitters: Uncertain significance (3); Benign (1). 1 of the submissions does not count toward it. Last evaluated 2024-11-22.

Conditions:
Usher syndrome type 1F (USH1F). Also called: USHER SYNDROME, TYPE IF. Identifiers: Orphanet 231169, Orphanet 886, MedGen C1865885, MONDO:0011186, OMIM 602083.

Allele frequency attached by ClinVar (database versions not stated): TOPMed 0.00003; gnomAD 0.00004; ESP Exome Variant Server 0.00015; ExAC 0.00001; gnomAD exomes 0.00001.
gnomAD v4.1: 71 of 1,613,876 alleles (0.0044%); highest among the groups gnomAD compares: Non-Finnish European, 0.006%; no homozygotes.

Submissions (5):

GeneDx
Classification: Uncertain significance. Last evaluated: 2024-11-22. Review status: criteria provided, single submitter. Criteria: GeneDx Variant Classification Process June 2021. Collection method: clinical testing. Allele origin: germline. Affected: yes.
Comment: Not observed at significant frequency in large population cohorts (gnomAD); In silico analysis indicates that this missense variant does not alter protein structure/function; Has not been previously published as pathogenic or benign to our knowledge

Labcorp Genetics (formerly Invitae), Labcorp
Classification: Benign. Last evaluated: 2024-09-16. Review status: criteria provided, single submitter. Criteria: Invitae Variant Classification Sherloc (09022015). Collection method: clinical testing. Allele origin: germline.

Blueprint Genetics
Classification: Uncertain significance. Last evaluated: 2020-01-28. Review status: criteria provided, single submitter. Criteria: ACMG Guidelines, 2015. Collection method: clinical testing. Allele origin: germline.

Laboratory for Molecular Medicine, Mass General Brigham Personalized Medicine
Classification: Uncertain significance. Last evaluated: 2014-05-20. Review status: criteria provided, single submitter. Criteria: LMM Criteria. Collection method: clinical testing. Allele origin: germline. Observed: 1 variant allele.
Comment: The Leu381Val variant in PCDH15 has not been previously reported in individuals with hearing loss, but has been identified in 0.02% (2/8600) of European America n chromosomes by the NHLBI Exome Sequencing Project (u/EVS/). Although this variant has been seen in the general population, its freq uency is not high enough to rule out a pathogenic role. Computational prediction tools and conservation analyses do not provide strong support for or against an impact to the protein. In summary, the clinical significance of the Leu381Val variant is uncertain.

Natera, Inc.
Classification: Uncertain significance for Usher syndrome type 1F. Last evaluated: 2020-10-28. Review status: no assertion criteria provided. Collection method: clinical testing. Allele origin: germline. Not counted in ClinVar's aggregate classification.

NM_001384140.1(PCDH15):c.1141C>G (p.Leu381Val)

Gene: PCDH15 (protocadherin related 15; minus strand). Cytogenetic location: 10q21.1.
Variant type: single nucleotide variant.
Coding change: c.1141C>G on transcript NM_001384140.1 (MANE Select); coding-DNA position 1141, C replaced by G.
Protein change: p.Leu381Val; replaces leucine 381 with valine.
Molecular consequence: missense variant.
Genome position (GRCh38, 1-based): chr10:54,195,847, G>C on the plus strand (C>G on the coding strand, the complement: PCDH15 is on the minus strand). VCF-style: chr10-54195847-G-C. GRCh37 (hg19) VCF-style: chr10-55955607-G-C.
Other names: c.1156C>G, p.Leu386Val (NM_001142763.2, NM_001142769.4, NM_001142771.2); c.1141C>G, p.Leu381Val (NM_001142764.2, NM_001142765.2, NM_001142766.2 and 7 more transcripts); c.1030C>G, p.Leu344Val (NM_001142767.2); c.1075C>G, p.Leu359Val (NM_001142768.2, NM_001142773.2, NM_001354404.2); short protein forms L381V, L386V, L344V, L359V.
Identifiers: ClinVar variation 164929 (VCV000164929.12), dbSNP rs373453298, ClinGen allele CA177605.
Genomic context (GRCh38, chr10:54,195,847, plus strand): 5'-GATAACTGGGCATTGTAAAATATGGACTTTGATTGTTTTCATCCAGTATTTCAATGTGTA[G>C]ACCGGCAAAGGCAGGAAGAGGATGACCATTGTCTTGTTCAGCCTAAAATTGAAAAGAAAA-3'
Protein context (NP_001371069.1, residues 371-391): NGHPLPAFAG[Leu381Val]HIEILDENNQ